The following is an entry in ClinVar:

NC_000009.12:g.35657850C>T

Gene: RMRP (RNA component of mitochondrial RNA processing endoribonuclease; minus strand). Cytogenetic location: 9p13.3.
Variant type: single nucleotide variant.
Genome position: GRCh38 VCF-style: chr9-35657850-C-T. GRCh37 (hg19) VCF-style: chr9-35657847-C-T.
Identifiers: ClinVar variation 2136767 (VCV002136767.2), dbSNP rs1823610073, ClinGen allele CA464450652.

ClinVar aggregate classification (germline): Uncertain significance (1 of 4 stars; one submission).

Conditions:
Anauxetic dysplasia. Identifiers: Orphanet 93347, MedGen C1846796, MONDO:0011773.

Allele frequency attached by ClinVar (database versions not stated): gnomAD exomes below 0.00001; TOPMed 0.00001.
gnomAD v4.1: 3 of 693,856 alleles (0.00043%); highest among the groups gnomAD compares: Non-Finnish European, 0.00052%; no homozygotes.

Submission:

Labcorp Genetics (formerly Invitae), Labcorp
Classification: Uncertain significance for Anauxetic dysplasia. Last evaluated: 2022-10-21. Review status: criteria provided, single submitter. Criteria: Invitae Variant Classification Sherloc (09022015). Collection method: clinical testing. Allele origin: germline.
Comment: Algorithms developed to predict the effect of variants on protein structure and function are not available or were not evaluated for this variant. In summary, the available evidence is currently insufficient to determine the role of this variant in disease. Therefore, it has been classified as a Variant of Uncertain Significance. Experimental studies are conflicting or provide insufficient evidence to determine the effect of this variant on RMRP function (PMID: 17937437). This variant has been observed in individual(s) with cartilage-hair hypoplasia (PMID: 16832578). In at least one individual the data is consistent with being in trans (on the opposite chromosome) from a pathogenic variant. This variant is not present in population databases (gnomAD no frequency). This variant occurs in the RMRP gene, which encodes an RNA molecule that does not result in a protein product.

Literature cited by the submitters: PubMed 17937437; PubMed 16832578.